The following is an entry in ClinVar:

ClinVar aggregate classification (germline): Likely benign. Review status: criteria provided, multiple submitters, no conflicts (2 of 4 stars). 3 submissions from 3 submitters: Likely benign (2). 1 of the submissions does not count toward it. Last evaluated 2026-01-26.

Conditions:
Nemaline myopathy 2 (NEM2). Also called: Nemaline myopathy 2, autosomal recessive. Identifiers: MedGen C1850569, MONDO:0009725, OMIM 256030.
NEB-related disorder. Also called: NEB-related condition; NEB-Related Disorders.

Allele frequency attached by ClinVar (database versions not stated): gnomAD 0.00001; gnomAD exomes 0.00002; TOPMed 0.00002; ExAC 0.00003.
gnomAD v4.1: 38 of 1,612,480 alleles (0.0024%); highest among the groups gnomAD compares: Middle Eastern, 0.033%; no homozygotes.

Submissions (3):

Labcorp Genetics (formerly Invitae), Labcorp
Classification: Likely benign for Nemaline myopathy 2. Last evaluated: 2026-01-26. Review status: criteria provided, single submitter. Criteria: Invitae Variant Classification Sherloc (09022015). Collection method: clinical testing. Allele origin: germline.

CeGaT Center for Human Genetics Tuebingen
Classification: Likely benign. Last evaluated: 2025-02-01. Review status: criteria provided, single submitter. Criteria: CeGaT Center For Human Genetics Tuebingen Variant Classification Criteria Version 2. Collection method: clinical testing. Allele origin: germline. Affected: yes. Observed: 1 variant allele.
Comment: NEB: BP4, BP7

PreventionGenetics, part of Exact Sciences
Classification: Likely benign for NEB-related condition. Last evaluated: 2019-09-11. Review status: no assertion criteria provided. Collection method: clinical testing. Allele origin: germline. Not counted in ClinVar's aggregate classification.
Comment: This variant is classified as likely benign based on ACMG/AMP sequence variant interpretation guidelines (Richards et al. 2015 PMID: 25741868, with internal and published modifications).

NM_001164508.2(NEB):c.597C>T (p.Thr199=)

Gene: NEB (nebulin; minus strand). Cytogenetic location: 2q23.3.
Variant type: single nucleotide variant.
Coding change: c.597C>T on transcript NM_001164508.2 (MANE Select); coding-DNA position 597, C replaced by T.
Protein change: p.Thr199=; no amino-acid change (threonine 199 retained).
Molecular consequence: synonymous variant.
Genome position (GRCh38, 1-based): chr2:151,724,275, G>A on the plus strand (C>T on the coding strand, the complement: NEB is on the minus strand). VCF-style: chr2-151724275-G-A. GRCh37 (hg19) VCF-style: chr2-152580789-G-A.
Other names: c.597C>T, p.Thr199= (NM_001164507.2, NM_001271208.2, NM_004543.5); c.597C>T (NM_001271208.1).
Identifiers: ClinVar variation 1128516 (VCV001128516.24), dbSNP rs762852030, ClinGen allele CA1911856.